The following is an entry in ClinVar:

ClinVar aggregate classification (germline): Conflicting classifications of pathogenicity. Review status: criteria provided, conflicting classifications (1 of 4 stars). 2 submissions from 2 submitters: Likely pathogenic (1); Uncertain significance (1). Last evaluated 2022-11-29.

Conditions:
Walker-Warburg congenital muscular dystrophy. Also called: Muscular dystrophy-dystroglycanopathy, type A; Walker-Warburg syndrome. Identifiers: Orphanet 899, MedGen C0265221, MONDO:0000171.

gnomAD v4.1: 1 of 1,599,894 alleles (0.000063%); highest among the groups gnomAD compares: Non-Finnish European, 0.000085%; no homozygotes.

Submissions (2):

Labcorp Genetics (formerly Invitae), Labcorp
Classification: Likely pathogenic for Walker-Warburg congenital muscular dystrophy. Last evaluated: 2022-11-29. Review status: criteria provided, single submitter. Criteria: Invitae Variant Classification Sherloc (09022015). Collection method: clinical testing. Allele origin: germline.
Comment: In summary, the currently available evidence indicates that the variant is pathogenic, but additional data are needed to prove that conclusively. Therefore, this variant has been classified as Likely Pathogenic. This variant disrupts the p.Ala455 amino acid residue in FKRP. Other variant(s) that disrupt this residue have been determined to be pathogenic (PMID: 14652796, 16368217, 18671187, 23420653, 23894383). This suggests that this residue is clinically significant, and that variants that disrupt this residue are likely to be disease-causing. Algorithms developed to predict the effect of missense changes on protein structure and function (SIFT, PolyPhen-2, Align-GVGD) all suggest that this variant is likely to be tolerated. ClinVar contains an entry for this variant (Variation ID: 501628). This variant has not been reported in the literature in individuals affected with FKRP-related conditions. This variant is not present in population databases (gnomAD no frequency). This sequence change replaces alanine, which is neutral and non-polar, with threonine, which is neutral and polar, at codon 455 of the FKRP protein (p.Ala455Thr).

Eurofins Ntd Llc (ga)
Classification: Uncertain significance. Last evaluated: 2017-04-28. Review status: criteria provided, single submitter. Criteria: EGL Classification Definitions 2015. Collection method: clinical testing. Allele origin: germline. Observed: 1 variant allele, 1 heterozygote.

Literature cited by the submitters: PubMed 14652796 (cited by Labcorp Genetics (formerly Invitae), Labcorp); PubMed 16368217 (cited by Labcorp Genetics (formerly Invitae), Labcorp); PubMed 18671187 (cited by Labcorp Genetics (formerly Invitae), Labcorp); PubMed 23420653 (cited by Labcorp Genetics (formerly Invitae), Labcorp); PubMed 23894383 (cited by Labcorp Genetics (formerly Invitae), Labcorp).

NM_024301.5(FKRP):c.1363G>A (p.Ala455Thr)

Gene: FKRP (fukutin related protein; plus strand). Cytogenetic location: 19q13.32.
Variant type: single nucleotide variant.
Coding change: c.1363G>A on transcript NM_024301.5 (MANE Select); coding-DNA position 1363, G replaced by A.
Protein change: p.Ala455Thr; replaces alanine 455 with threonine.
Molecular consequence: missense variant.
Genome position (GRCh38, 1-based): chr19:46,756,813, G>A. VCF-style: chr19-46756813-G-A. GRCh37 (hg19) VCF-style: chr19-47260070-G-A.
Other names: c.1363G>A, p.Ala455Thr (NM_001039885.3); short protein forms A455T.
Identifiers: ClinVar variation 501628 (VCV000501628.9), dbSNP rs747785577, ClinGen allele CA406497215.